The following is an entry in ClinVar:

ClinVar aggregate classification (germline): Uncertain significance. Review status: criteria provided, multiple submitters, no conflicts (2 of 4 stars). 3 submissions from 3 submitters: Uncertain significance (3). Last evaluated 2024-06-17.

Conditions:
Epilepsy, X-linked 1, with variable learning disabilities and behavior disorders. Also called: X-linked epilepsy-learning disabilities-behavior disorders syndrome. Identifiers: Orphanet 85294, MedGen C5774177, MONDO:0010339, OMIM 300491.
Inborn genetic diseases. Identifiers: MedGen C0950123, MeSH D030342.

Allele frequency attached by ClinVar (database versions not stated): TOPMed below 0.00001; gnomAD exomes 0.00001.
gnomAD v4.1: 16 of 1,177,348 alleles (0.0014%); highest among the groups gnomAD compares: South Asian, 0.0074%; no homozygotes.

Submissions (3):

GeneDx
Classification: Uncertain significance. Last evaluated: 2024-06-17. Review status: criteria provided, single submitter. Criteria: GeneDx Variant Classification Process June 2021. Collection method: clinical testing. Allele origin: germline. Affected: yes.
Comment: Not observed at significant frequency in large population cohorts (gnomAD); In silico analysis indicates that this missense variant does not alter protein structure/function; Has not been previously published as pathogenic or benign to our knowledge

Labcorp Genetics (formerly Invitae), Labcorp
Classification: Uncertain significance for Epilepsy, X-linked 1, with variable learning disabilities and behavior disorders. Last evaluated: 2024-01-17. Review status: criteria provided, single submitter. Criteria: Invitae Variant Classification Sherloc (09022015). Collection method: clinical testing. Allele origin: germline.
Comment: This sequence change replaces valine, which is neutral and non-polar, with isoleucine, which is neutral and non-polar, at codon 57 of the SYN1 protein (p.Val57Ile). This variant is not present in population databases (gnomAD no frequency). This variant has not been reported in the literature in individuals affected with SYN1-related conditions. ClinVar contains an entry for this variant (Variation ID: 846048). An algorithm developed to predict the effect of missense changes on protein structure and function (PolyPhen-2) suggests that this variant is likely to be tolerated. In summary, the available evidence is currently insufficient to determine the role of this variant in disease. Therefore, it has been classified as a Variant of Uncertain Significance.

Ambry Genetics
Classification: Uncertain significance for Inborn genetic diseases. Last evaluated: 2023-06-05. Review status: criteria provided, single submitter. Criteria: Ambry Variant Classification Scheme 2023. Collection method: clinical testing. Allele origin: germline.

NM_006950.3(SYN1):c.169G>A (p.Val57Ile)

Gene: SYN1 (synapsin I; minus strand). Cytogenetic location: Xp11.23.
Variant type: single nucleotide variant.
Coding change: c.169G>A on transcript NM_006950.3 (MANE Select); coding-DNA position 169, G replaced by A.
Protein change: p.Val57Ile; replaces valine 57 with isoleucine.
Molecular consequence: missense variant.
Genome position (GRCh38, 1-based): chrX:47,619,560, C>T on the plus strand (G>A on the coding strand, the complement: SYN1 is on the minus strand). VCF-style: chrX-47619560-C-T. GRCh37 (hg19) VCF-style: chrX-47478959-C-T.
Other names: c.169G>A, p.Val57Ile (NM_133499.2); short protein forms V57I.
Identifiers: ClinVar variation 846048 (VCV000846048.13), dbSNP rs1200321961, ClinGen allele CA412831987.
Genomic context (GRCh38, chrX:47,619,560, plus strand): 5'-AGAAGCCACCGCCCCCCGAGGACCCGGGGCTAGGGGCGGCCGGAGAGGCCGCTGGGGCGA[C>T]CCCGGAGGACCTCTCGGCAGTGGCGGTCCCGGGACCGGGCGTGGCTCCGGGGCTGTGGGC-3'
Protein context (NP_008881.2, residues 47-67): GTATAERSSG[Val57Ile]APAASPAAPS